The following is an entry in ClinVar:

ClinVar aggregate classification (germline): Pathogenic/Likely pathogenic. Review status: criteria provided, multiple submitters, no conflicts (2 of 4 stars). 3 submissions from 3 submitters: Pathogenic (1); Likely pathogenic (2). Last evaluated 2026-01-27.

Conditions:
MYH7-related disorder. Also called: MYH7-related disorders; MYH7-related condition; MYH7-related disease.
Hypertrophic cardiomyopathy 1 (CMH1). Also called: MYH7-Related Familial Hypertrophic Cardiomyopathy; Familial hypertrophic cardiomyopathy 1. Identifiers: MedGen C3495498, MONDO:0008647, OMIM 192600.
Hypertrophic cardiomyopathy. Also called: HYPERTROPHIC MYOCARDIOPATHY. Identifiers: Orphanet 217569, MedGen C0007194, MeSH D002312, MONDO:0005045, HP:0001639.

Submissions (3):

3billion
Classification: Pathogenic for Hypertrophic cardiomyopathy 1. Last evaluated: 2026-01-27. Review status: criteria provided, single submitter. Criteria: ACMG Guidelines, 2015. Collection method: clinical testing. Allele origin: germline. Affected: yes.
Comment: The variant is not observed in the gnomAD v4.1.0 dataset. Predicted Consequence/Location: The variant is located in a mutational hot spot and/or well-established functional domain in which established pathogenic variants have been reported (PMID: 29300372). The same nucleotide change resulting in the same amino acid change has been previously reported as pathogenic/likely pathogenic with strong evidence (ClinVar ID: VCV000407200 /PMID: 23233322 /3billion dataset). A different missense change at the same codon (p.Asp394Asn) has been reported as pathogenic/likely pathogenic with strong evidence (ClinVar ID: VCV000042828). Therefore, this variant is classified as Pathogenic according to the recommendation of ACMG/AMP guideline.

Blueprint Genetics
Classification: Likely pathogenic for MYH7-related disorders. Last evaluated: 2023-08-17. Review status: criteria provided, single submitter. Criteria: ACMG Guidelines, 2015. Collection method: clinical testing. Allele origin: germline. Affected: yes. Observed: 2 variant alleles.

Labcorp Genetics (formerly Invitae), Labcorp
Classification: Likely pathogenic for Hypertrophic cardiomyopathy. Last evaluated: 2016-10-31. Review status: criteria provided, single submitter. Criteria: Invitae Variant Classification Sherloc (09022015). Collection method: clinical testing. Allele origin: germline.
Comment: This variant is not present in population databases (ExAC no frequency) . This variant has been reported in several individuals affected with hypertrophic cardiomyopathy (PMID: 23233322, 27532257, Invitae database). In summary, this variant is absent from the population and reported in several affected individuals. However, without additional functional and/or genetic data, this variant has been classified as Likely Pathogenic. Algorithms developed to predict the effect of missense changes on protein structure and function do not agree on the potential impact of this missense change (SIFT: "Deleterious"; PolyPhen-2: "Possibly Damaging"; Align-GVGD: "Class C0"). This sequence change replaces aspartic acid with glutamic acid at codon 394 of the MYH7 protein (p.Asp394Glu). The aspartic acid residue is highly conserved and there is a small physicochemical difference between aspartic acid and glutamic acid.

Literature cited by the submitters: PubMed 23233322 (cited by 3billion and Labcorp Genetics (formerly Invitae), Labcorp); PubMed 27532257 (cited by 3billion and Labcorp Genetics (formerly Invitae), Labcorp).

NM_000257.4(MYH7):c.1182C>A (p.Asp394Glu)

Gene: MYH7 (myosin heavy chain 7; minus strand). Cytogenetic location: 14q11.2.
Variant type: single nucleotide variant.
Coding change: c.1182C>A on transcript NM_000257.4 (MANE Select); coding-DNA position 1182, C replaced by A.
Protein change: p.Asp394Glu; replaces aspartic acid 394 with glutamic acid.
Molecular consequence: missense variant.
Genome position (GRCh38, 1-based): chr14:23,429,304, G>T on the plus strand (C>A on the coding strand, the complement: MYH7 is on the minus strand). VCF-style: chr14-23429304-G-T. GRCh37 (hg19) VCF-style: chr14-23898513-G-T.
Other names: c.1182C>A (LRG_384t1); short protein forms D394E.
Identifiers: ClinVar variation 407200 (VCV000407200.15), dbSNP rs1060501452, ClinGen allele CA16614497.